The following is an entry in ClinVar:

ClinVar aggregate classification (germline): Uncertain significance. Review status: criteria provided, multiple submitters, no conflicts (2 of 4 stars). 9 submissions from 8 submitters: Uncertain significance (8). 1 of the submissions does not count toward it. Last evaluated 2026-05-13.

Conditions:
Inborn genetic diseases. Identifiers: MedGen C0950123, MeSH D030342.
USH2A-related disorder. Also called: USH2A-related disorders; USH2A-related condition. Identifiers: MedGen CN239332.
Retinitis pigmentosa 39 (RP39). Identifiers: Orphanet 791, MedGen C3151138, MONDO:0013436, OMIM 613809.
Usher syndrome type 2A. Also called: RETINAL DISEASE IN USHER SYNDROME TYPE IIA, MODIFIER OF; USHER SYNDROME, TYPE IIA. Identifiers: Orphanet 231178, Orphanet 886, MedGen C1848634, MONDO:0010169, OMIM 276901.

Allele frequency attached by ClinVar (database versions not stated): gnomAD exomes 0.00002 and 0.00004; ExAC 0.00006; gnomAD 0.00016; 1000 Genomes Project 0.00020; TOPMed 0.00025; 1000 Genomes Project 30x 0.00031.

Submissions (9):

PreventionGenetics, part of Exact Sciences
Classification: Uncertain significance for USH2A-related condition. Last evaluated: 2026-05-13. Review status: criteria provided, single submitter. Criteria: ACMG Guidelines, 2015. Collection method: clinical testing. Allele origin: germline.
Comment: The USH2A c.8552A>C variant is predicted to result in the amino acid substitution p.Asn2851Thr. To our knowledge, this variant has not been reported in the literature. This variant is reported in 0.052% of alleles in individuals of African descent in gnomAD. Although we suspect that this variant may be benign, at this time, the clinical significance of this variant is uncertain due to the absence of conclusive functional and genetic evidence.

Ambry Genetics
Classification: Uncertain significance for Inborn genetic diseases. Last evaluated: 2025-08-03. Review status: criteria provided, single submitter. Criteria: Ambry Variant Classification Scheme 2023. Collection method: clinical testing. Allele origin: germline.

GeneDx
Classification: Uncertain significance. Last evaluated: 2025-04-10. Review status: criteria provided, single submitter. Criteria: GeneDx Variant Classification Process June 2021. Collection method: clinical testing. Allele origin: germline. Affected: yes.
Comment: In silico analysis supports that this missense variant has a deleterious effect on protein structure/function; Has not been previously published as pathogenic or benign to our knowledge

Labcorp Genetics (formerly Invitae), Labcorp
Classification: Uncertain significance. Last evaluated: 2024-10-15. Review status: criteria provided, single submitter. Criteria: Invitae Variant Classification Sherloc (09022015). Collection method: clinical testing. Allele origin: germline.
Comment: This sequence change replaces asparagine, which is neutral and polar, with threonine, which is neutral and polar, at codon 2851 of the USH2A protein (p.Asn2851Thr). This variant is present in population databases (rs577389392, gnomAD 0.05%). This variant has not been reported in the literature in individuals affected with USH2A-related conditions. ClinVar contains an entry for this variant (Variation ID: 289014). Invitae Evidence Modeling of protein sequence and biophysical properties (such as structural, functional, and spatial information, amino acid conservation, physicochemical variation, residue mobility, and thermodynamic stability) indicates that this missense variant is not expected to disrupt USH2A protein function with a negative predictive value of 95%. In summary, the available evidence is currently insufficient to determine the role of this variant in disease. Therefore, it has been classified as a Variant of Uncertain Significance.

Blueprint Genetics
Classification: Uncertain significance. Last evaluated: 2024-02-27. Review status: criteria provided, single submitter. Criteria: ACMG Guidelines, 2015. Collection method: clinical testing. Allele origin: germline.

Genome-Nilou Lab
Classification: Uncertain significance for Retinitis pigmentosa 39. Last evaluated: 2023-11-04. Review status: criteria provided, single submitter. Criteria: ACMG Guidelines, 2015. Collection method: clinical testing. Allele origin: germline. Affected: no.

Genome-Nilou Lab
Classification: Uncertain significance for Usher syndrome type 2A. Last evaluated: 2023-11-04. Review status: criteria provided, single submitter. Criteria: ACMG Guidelines, 2015. Collection method: clinical testing. Allele origin: germline. Affected: no.

Eurofins Ntd Llc (ga)
Classification: Uncertain significance. Last evaluated: 2016-07-19. Review status: criteria provided, single submitter. Criteria: EGL Classification Definitions 2015. Collection method: clinical testing. Allele origin: germline. Observed: 2 variant alleles, 2 heterozygotes.

Natera, Inc.
Classification: Uncertain significance for Usher syndrome type 2A. Last evaluated: 2019-11-11. Review status: no assertion criteria provided. Collection method: clinical testing. Allele origin: germline. Not counted in ClinVar's aggregate classification.

NM_206933.4(USH2A):c.8552A>C (p.Asn2851Thr)

Gene: USH2A (usherin; minus strand). Cytogenetic location: 1q41.
Variant type: single nucleotide variant.
Coding change: c.8552A>C on transcript NM_206933.4 (MANE Select); coding-DNA position 8552, A replaced by C.
Protein change: p.Asn2851Thr; replaces asparagine 2851 with threonine.
Molecular consequence: missense variant.
Genome position (GRCh38, 1-based): chr1:215,878,770, T>G on the plus strand (A>C on the coding strand, the complement: USH2A is on the minus strand). VCF-style: chr1-215878770-T-G. GRCh37 (hg19) VCF-style: chr1-216052112-T-G.
Other names: short protein forms N2851T.
Identifiers: ClinVar variation 289014 (VCV000289014.20), dbSNP rs577389392, ClinGen allele CA1394591.